The following is an entry in ClinVar:

ClinVar aggregate classification (germline): Benign. Review status: criteria provided, multiple submitters, no conflicts (2 of 4 stars). 3 submissions from 3 submitters: Benign (3). Last evaluated 2026-09-08.

Conditions:
Fabry disease. Also called: Fabry's disease; Ceramide trihexosidosis; ALPHA-GALACTOSIDASE A DEFICIENCY; ANDERSON-FABRY DISEASE; CERAMIDE TRIHEXOSIDASE DEFICIENCY; GLA DEFICIENCY. Identifiers: Orphanet 324, MedGen C0002986, MONDO:0010526, OMIM 301500, HP:0001071. Disease mechanism: loss of function, Fabry disease is due to inactivating mutations in the X-linked GLA gene resulting in deficiency of the enzyme Alpha Galactosidase-A..

Allele frequency attached by ClinVar (database versions not stated): gnomAD 0.06887 and 0.07381; 1000 Genomes Project 0.07470; TOPMed 0.07794; 1000 Genomes Project 30x 0.08137.

Submissions (3):

Genomenon, Inc
Classification: Benign for Fabry disease. Last evaluated: 2026-09-08. Review status: criteria provided, single submitter. Criteria: Genomenon Sequence Variant Interpretation Standards - Updated. Collection method: curation. Allele origin: germline. Affected: no.
Comment: GLA c.639+771C>T is an intronic variant located in intron 4. This variant is present at high allele frequency in population databases. We classify GLA c.639+771C>T as a benign variant.

GeneDx
Classification: Benign. Last evaluated: 2015-03-03. Review status: criteria provided, single submitter. Criteria: GeneDx Variant Classification Process June 2021. Collection method: clinical testing. Allele origin: germline. Affected: yes.

Breakthrough Genomics
Classification: Benign. Review status: criteria provided, single submitter. Criteria: ACMG Guidelines, 2015. Collection method: not provided. Allele origin: germline. Inheritance: X-linked inheritance. Affected: yes.

NM_000169.3(GLA):c.639+771C>T

Genes: GLA (galactosidase alpha; minus strand), RPL36A-HNRNPH2 (RPL36A-HNRNPH2 readthrough; plus strand). Cytogenetic location: Xq22.1.
Variant type: single nucleotide variant.
Coding change: c.639+771C>T on transcript NM_000169.3 (MANE Select); 771 bases into the intron after coding-DNA position 639, C replaced by T.
Molecular consequence: intron variant.
Genome position (GRCh38, 1-based): chrX:101,399,895, G>A on the plus strand (C>T on the coding strand, the complement: GLA is on the minus strand). VCF-style: chrX-101399895-G-A. GRCh37 (hg19) VCF-style: chrX-100654883-G-A.
Other names: c.300+4438G>A (NM_001199973.2); c.177+8073G>A (NM_001199974.2); c.762+771C>T (NM_001406747.1); c.639+771C>T (NM_001406748.1).
Identifiers: ClinVar variation 1235721 (VCV001235721.6), dbSNP rs5991933, ClinGen allele CA352352.